The following is an entry in ClinVar:

ClinVar aggregate classification (germline): Uncertain significance (1 of 4 stars; one submission).

Conditions:
Cardiovascular phenotype. Identifiers: MedGen CN230736.

Allele frequency attached by ClinVar (database versions not stated): TOPMed below 0.00001; gnomAD exomes 0.00001.

Submission:

Ambry Genetics
Classification: Uncertain significance for Cardiovascular phenotype. Last evaluated: 2019-08-08. Review status: criteria provided, single submitter. Criteria: Ambry Variant Classification Scheme 2023. Collection method: clinical testing. Allele origin: germline.
Comment: The p.P609R variant (also known as c.1826C>G), located in coding exon 12 of the NEXN gene, results from a C to G substitution at nucleotide position 1826. The proline at codon 609 is replaced by arginine, an amino acid with dissimilar properties. This amino acid position is highly conserved in available vertebrate species. In addition, this alteration is predicted to be deleterious by in silico analysis. Since supporting evidence is limited at this time, the clinical significance of this alteration remains unclear.

NM_144573.4(NEXN):c.1826C>G (p.Pro609Arg)

Gene: NEXN (nexilin F-actin binding protein; plus strand). Cytogenetic location: 1p31.1.
Variant type: single nucleotide variant.
Coding change: c.1826C>G on transcript NM_144573.4 (MANE Select); coding-DNA position 1826, C replaced by G.
Protein change: p.Pro609Arg; replaces proline 609 with arginine.
Molecular consequence: missense variant.
Genome position (GRCh38, 1-based): chr1:77,942,627, C>G. VCF-style: chr1-77942627-C-G. GRCh37 (hg19) VCF-style: chr1-78408312-C-G.
Other names: c.1634C>G, p.Pro545Arg (NM_001172309.2); short protein forms P545R, P609R.
Identifiers: ClinVar variation 1780846 (VCV001780846.2), dbSNP rs1651473287, ClinGen allele CA340882869.